The following is an entry in ClinVar:

ClinVar aggregate classification (germline): Uncertain significance (1 of 4 stars; one submission).

Conditions:
Pitt-Hopkins-like syndrome 2 (PTHSL2). Identifiers: Orphanet 221150, Orphanet 600663, MedGen C3280479, MONDO:0013690, OMIM 614325.

Submission:

Labcorp Genetics (formerly Invitae), Labcorp
Classification: Uncertain significance for Pitt-Hopkins-like syndrome 2. Last evaluated: 2019-12-30. Review status: criteria provided, single submitter. Criteria: Invitae Variant Classification Sherloc (09022015). Collection method: clinical testing. Allele origin: germline.
Comment: In summary, the available evidence is currently insufficient to determine the role of this variant in disease. Therefore, it has been classified as a Variant of Uncertain Significance. This variant has not been reported in the literature in individuals with NRXN1-related conditions. This variant results in a copy number gain of the genomic region encompassing exons 1-6 of the NRXN1 gene, which includes the initiator codon. The 5' end of this event is unknown as it extends beyond the assayed region for this gene and therefore may encompass additional genes. The 3' boundary is likely confined to intron 6 of the NRXN1 gene. As the precise location of this event is unknown, it may be in tandem or it may be located elsewhere in the genome.

NC_000002.12:g.(?_50921849)_(51032054_?)dup

Gene: NRXN1 (neurexin 1; minus strand). Cytogenetic location: 2p16.3.
Variant type: Duplication.
Identifiers: ClinVar variation 833133 (VCV000833133.3).